The following is an entry in ClinVar:

NM_000222.3(KIT):c.1438T>G (p.Ser480Ala)

Gene: KIT (KIT proto-oncogene, receptor tyrosine kinase; plus strand). Cytogenetic location: 4q12.
Variant type: single nucleotide variant.
Coding change: c.1438T>G on transcript NM_000222.3 (MANE Select); coding-DNA position 1438, T replaced by G.
Protein change: p.Ser480Ala; replaces serine 480 with alanine.
Molecular consequence: missense variant.
Genome position (GRCh38, 1-based): chr4:54,725,948, T>G. VCF-style: chr4-54725948-T-G. GRCh37 (hg19) VCF-style: chr4-55592114-T-G.
Other names: c.1438T>G, p.Ser480Ala (NM_001093772.2, NM_001385285.1, NM_001385286.1); c.1441T>G, p.Ser481Ala (NM_001385284.1, NM_001385288.1, NM_001385290.1 and 1 more transcripts); short protein forms S480A, S481A.
Identifiers: ClinVar variation 845202 (VCV000845202.11), dbSNP rs1417993831, ClinGen allele CA356906397.

ClinVar aggregate classification (germline): Uncertain significance. Review status: criteria provided, multiple submitters, no conflicts (2 of 4 stars). 2 submissions from 2 submitters: Uncertain significance (2). Last evaluated 2025-11-18.

Conditions:
Hereditary cancer-predisposing syndrome. Also called: Neoplastic Syndromes, Hereditary; Tumor predisposition; Hereditary Cancer Syndrome; Hereditary neoplastic syndrome. Identifiers: Orphanet 140162, MedGen C0027672, MeSH D009386, MONDO:0015356.
Gastrointestinal stromal tumor. Also called: Gastrointestinal stromal tumor, somatic; Gastrointestinal stroma tumor. Identifiers: Orphanet 44890, MedGen C0238198, MeSH D046152, MONDO:0011719, OMIM 606764, HP:0100723.

Allele frequency attached by ClinVar (database versions not stated): gnomAD exomes below 0.00001; TOPMed below 0.00001; gnomAD 0.00001.
gnomAD v4.1: 2 of 1,614,020 alleles (0.00012%); highest among the groups gnomAD compares: Non-Finnish European, 0.00017%; no homozygotes.

Submissions (2):

Labcorp Genetics (formerly Invitae), Labcorp
Classification: Uncertain significance for Gastrointestinal stromal tumor. Last evaluated: 2025-11-18. Review status: criteria provided, single submitter. Criteria: Invitae Variant Classification Sherloc (09022015). Collection method: clinical testing. Allele origin: germline.
Comment: This sequence change replaces serine, which is neutral and polar, with alanine, which is neutral and non-polar, at codon 480 of the KIT protein (p.Ser480Ala). This variant is present in population databases (no rsID available, gnomAD 0.0009%). This variant has not been reported in the literature in individuals affected with KIT-related conditions. ClinVar contains an entry for this variant (Variation ID: 845202). An algorithm developed to predict the effect of missense changes on protein structure and function (PolyPhen-2) suggests that this variant is likely to be tolerated. In summary, the available evidence is currently insufficient to determine the role of this variant in disease. Therefore, it has been classified as a Variant of Uncertain Significance.

Ambry Genetics
Classification: Uncertain significance for Hereditary cancer-predisposing syndrome. Last evaluated: 2025-07-07. Review status: criteria provided, single submitter. Criteria: Ambry Variant Classification Scheme 2023. Collection method: clinical testing. Allele origin: germline.
Comment: The p.S480A variant (also known as c.1438T>G), located in coding exon 9 of the KIT gene, results from a T to G substitution at nucleotide position 1438. The serine at codon 480 is replaced by alanine, an amino acid with similar properties. This amino acid position is conserved. In addition, this alteration is predicted to be tolerated by in silico analysis. Since supporting evidence is limited at this time, the clinical significance of this alteration remains unclear.